The following is an entry in ClinVar:

NM_000322.5(PRPH2):c.621C>A (p.Asp207Glu)

Gene: PRPH2 (peripherin 2; minus strand). Cytogenetic location: 6p21.1.
Variant type: single nucleotide variant.
Coding change: c.621C>A on transcript NM_000322.5 (MANE Select); coding-DNA position 621, C replaced by A.
Protein change: p.Asp207Glu; replaces aspartic acid 207 with glutamic acid.
Molecular consequence: missense variant.
Genome position (GRCh38, 1-based): chr6:42,704,572, G>T on the plus strand (C>A on the coding strand, the complement: PRPH2 is on the minus strand). VCF-style: chr6-42704572-G-T. GRCh37 (hg19) VCF-style: chr6-42672310-G-T.
Other names: c.621C>A (NM_000322.4); short protein forms D207E.
Identifiers: ClinVar variation 2179204 (VCV002179204.5), dbSNP rs1265234802, ClinGen allele CA364135673.

ClinVar aggregate classification (germline): Uncertain significance. Review status: criteria provided, multiple submitters, no conflicts (2 of 4 stars). 2 submissions from 2 submitters: Uncertain significance (2). Last evaluated 2024-02-21.

Conditions:
PRPH2-related disorder. Also called: PRPH2-related disorders; PRPH2-related condition. Identifiers: MedGen CN239395.

gnomAD v4.1: 1 of 1,614,170 alleles (0.000062%); highest among the groups gnomAD compares: Non-Finnish European, 0.000085%; no homozygotes.

Submissions (2):

GeneDx
Classification: Uncertain significance. Last evaluated: 2024-02-21. Review status: criteria provided, single submitter. Criteria: GeneDx Variant Classification Process June 2021. Collection method: clinical testing. Allele origin: germline. Affected: yes.
Comment: Not observed at significant frequency in large population cohorts (gnomAD); In silico analysis supports that this missense variant has a deleterious effect on protein structure/function; This variant is associated with the following publications: (PMID: 35260635)

Labcorp Genetics (formerly Invitae), Labcorp
Classification: Uncertain significance for PRPH2-related disorder. Last evaluated: 2022-09-22. Review status: criteria provided, single submitter. Criteria: Invitae Variant Classification Sherloc (09022015). Collection method: clinical testing. Allele origin: germline.
Comment: This sequence change replaces aspartic acid, which is acidic and polar, with glutamic acid, which is acidic and polar, at codon 207 of the PRPH2 protein (p.Asp207Glu). This variant is not present in population databases (gnomAD no frequency). This missense change has been observed in individual(s) with clinical features of PRPH2-related conditions (Invitae). Advanced modeling of protein sequence and biophysical properties (such as structural, functional, and spatial information, amino acid conservation, physicochemical variation, residue mobility, and thermodynamic stability) performed at Invitae indicates that this missense variant is not expected to disrupt PRPH2 protein function. In summary, the available evidence is currently insufficient to determine the role of this variant in disease. Therefore, it has been classified as a Variant of Uncertain Significance.